The following is an entry in ClinVar:

ClinVar aggregate classification (germline): Pathogenic. Review status: criteria provided, single submitter (1 of 4 stars). 2 submissions from 2 submitters: Pathogenic (1). 1 of the submissions does not count toward it. Last evaluated 2019-07-01.

Conditions:
DICER1-related tumor predisposition. Also called: DICER1 syndrome; DICER1-related pleuropulmonary blastoma cancer predisposition syndrome. Identifiers: Orphanet 284343, MedGen C3839822, MONDO:0100216.
Rhabdomyosarcoma, embryonal, 2 (RMSE2). Identifiers: MedGen C1867234, MONDO:0859046, OMIM 180295.

Submissions (2):

Foulkes Cancer Genetics LDI, Lady Davis Institute for Medical Research
Classification: Pathogenic for Pleuropulmonary blastoma. Last evaluated: 2019-07-01. Review status: criteria provided, single submitter. Criteria: ACMG Guidelines, 2015. Collection method: curation. Allele origin: germline. Affected: yes. Observed: 4 variant alleles.
Comment: ACMG criteria met: PVS1, PM2, PP1, PP4

OMIM
Classification: Pathogenic for RHABDOMYOSARCOMA, EMBRYONAL, 2. Last evaluated: 2011-12-01. Review status: no assertion criteria provided. Collection method: literature only. Allele origin: germline. Not counted in ClinVar's aggregate classification.

Literature cited by the submitters: PubMed 21882293 (cited by Foulkes Cancer Genetics LDI, Lady Davis Institute for Medical Research and OMIM).

NM_177438.3(DICER1):c.3907_3908del (p.Leu1303fs)

Gene: DICER1 (dicer 1, ribonuclease III; minus strand). Cytogenetic location: 14q32.13.
Variant type: Microsatellite.
Coding change: c.3907_3908del on transcript NM_177438.3 (MANE Select); coding-DNA positions 3907 to 3908, 2 bases deleted (CT; older notation c.3907_3908delCT).
Protein change: p.Leu1303fs; shifts the reading frame from leucine 1303.
Molecular consequence: frameshift variant.
Genome position (GRCh38, 1-based): chr14:95,103,488-95,103,489, AG deleted on the plus strand (CT on the coding strand, the reverse complement: DICER1 is on the minus strand); deleting any 2 consecutive bases within chr14:95,103,488-95,103,491 gives the same sequence; the c. name uses the placement nearest the transcript's 3' end. VCF-style (leftmost placement, unchanged base first): chr14-95103487-CAG-C. GRCh37 (hg19) VCF-style: chr14-95569824-CAG-C.
Other names: c.3907_3908del (NM_177438.2); c.3907_3908del, p.Leu1303fs (NM_001195573.1, NM_001271282.3, NM_001291628.2 and 1 more transcripts); short protein forms L1303fs.
Identifiers: ClinVar variation 66095 (VCV000066095.4), dbSNP rs886037650, ClinGen allele CA10575606.